The following is an entry in ClinVar:

ClinVar aggregate classification (germline): Benign (1 of 4 stars; one submission).

Conditions:
CBL-related disorder. Also called: NOONAN SYNDROME-LIKE DISORDER WITHOUT JUVENILE MYELOMONOCYTIC LEUKEMIA; CBL MUTATION-ASSOCIATED SYNDROME; CBL SYNDROME. Identifiers: Orphanet 363972, MedGen C3150803, MONDO:0013308, OMIM 613563.

Allele frequency attached by ClinVar (database versions not stated): TOPMed 0.00010; gnomAD 0.00013; gnomAD exomes 0.00014; 1000 Genomes Project 0.00359; 1000 Genomes Project 30x 0.00406.
gnomAD v4.1: 103 of 214,254 alleles (0.048%); highest among the groups gnomAD compares: South Asian, 1.9%; 2 homozygotes.

Submission:

Illumina Laboratory Services, Illumina
Classification: Benign for CBL-related disorder. Last evaluated: 2018-01-12. Review status: criteria provided, single submitter. Criteria: ICSL Variant Classification Criteria 13 December 2019. Collection method: clinical testing. Allele origin: germline.
Comment: This variant was observed in the ICSL laboratory as part of a predisposition screen in an ostensibly healthy population. It had not been previously curated by ICSL or reported in the Human Gene Mutation Database (HGMD: prior to June 1st, 2018), and was therefore a candidate for classification through an automated scoring system. Utilizing variant allele frequency, disease prevalence and penetrance estimates, and inheritance mode, an automated score was calculated to assess if this variant is too frequent to cause the disease. Based on the score and internal cut-off values, a variant classified as benign is not then subjected to further curation. The score for this variant resulted in a classification of benign for this disease.

NM_005188.4(CBL):c.*8017G>A

Gene: CBL (Cbl proto-oncogene; plus strand). Cytogenetic location: 11q23.3.
Variant type: single nucleotide variant.
Coding change: c.*8017G>A on transcript NM_005188.4 (MANE Select); 8017 bases downstream of the stop codon, G replaced by A.
Molecular consequence: 3 prime UTR variant.
Genome position (GRCh38, 1-based): chr11:119,307,798, G>A. VCF-style: chr11-119307798-G-A. GRCh37 (hg19) VCF-style: chr11-119178508-G-A.
Identifiers: ClinVar variation 302913 (VCV000302913.5), dbSNP rs533150203, ClinGen allele CA10637437.
Genomic context (GRCh38, chr11:119,307,798, plus strand): 5'-GGGAGTGCTGGAGAGAACCTGATGCTTTCTCCAGAATGAAGAGTCCCAATTTGTATATCA[G>A]TGTTAAGAAGAAAACAAAACAAACACATAGGTGAGATTTTCGTGGACTATTTTAAAAATG-3'